The following is an entry in ClinVar:

ClinVar aggregate classification (germline): Uncertain significance (0 of 4 stars; one submission).

Conditions:
PCNT-related disorder. Also called: PCNT-related condition.

Allele frequency attached by ClinVar (database versions not stated): ESP Exome Variant Server 0.00015.
gnomAD v4.1: 13 of 1,605,200 alleles (0.00081%); highest among the groups gnomAD compares: African/African-American, 0.017%; no homozygotes.

Submission:

PreventionGenetics, part of Exact Sciences
Classification: Uncertain significance for PCNT-related condition. Last evaluated: 2023-12-21. Review status: no assertion criteria provided. Collection method: clinical testing. Allele origin: germline.
Comment: The PCNT c.5920G>T variant is predicted to result in the amino acid substitution p.Ala1974Ser. To our knowledge, this variant has not been reported in the literature. This variant is reported in 0.020% of alleles in individuals of African descent in gnomAD. At this time, the clinical significance of this variant is uncertain due to the absence of conclusive functional and genetic evidence.

NM_006031.6(PCNT):c.5920G>T (p.Ala1974Ser)

Gene: PCNT (pericentrin; plus strand). Cytogenetic location: 21q22.3.
Variant type: single nucleotide variant.
Coding change: c.5920G>T on transcript NM_006031.6 (MANE Select); coding-DNA position 5920, G replaced by T.
Protein change: p.Ala1974Ser; replaces alanine 1974 with serine.
Molecular consequence: missense variant.
Genome position (GRCh38, 1-based): chr21:46,411,993, G>T. VCF-style: chr21-46411993-G-T. GRCh37 (hg19) VCF-style: chr21-47831907-G-T.
Other names: c.5566G>T, p.Ala1856Ser (NM_001315529.2); short protein forms A1856S, A1974S.
Identifiers: ClinVar variation 3058334 (VCV003058334.2), dbSNP rs368622182, ClinGen allele CA10080122.
Genomic context (GRCh38, chr21:46,411,993, plus strand): 5'-AGAGCCACAGCTCACACACGGGTGCCCGGGGCCCACCCACAGCCTCGCATGGATGGTGGC[G>T]CCAAGGCCCAGGTCACCGGCGACGTGGAGGCCTCCCATGATGCTGCTTTGGAGCCGGTTG-3'
Protein context (NP_006022.3, residues 1964-1984): AHPQPRMDGG[Ala1974Ser]KAQVTGDVEA